The following is an entry in ClinVar:

NM_000465.4(BARD1):c.690C>G (p.Asp230Glu)

Gene: BARD1 (BRCA1 associated RING domain 1; minus strand). Cytogenetic location: 2q35.
Variant type: single nucleotide variant.
Coding change: c.690C>G on transcript NM_000465.4 (MANE Select); coding-DNA position 690, C replaced by G.
Protein change: p.Asp230Glu; replaces aspartic acid 230 with glutamic acid.
Molecular consequence: missense variant. On other transcripts: non-coding transcript variant (2), intron variant (3).
Genome position (GRCh38, 1-based): chr2:214,781,184, G>C on the plus strand (C>G on the coding strand, the complement: BARD1 is on the minus strand). VCF-style: chr2-214781184-G-C. GRCh37 (hg19) VCF-style: chr2-215645908-G-C.
Other names: p.D230E:GAC>GAG; c.633C>G, p.Asp211Glu (NM_001282543.2); c.158+28228C>G (NM_001282548.2); c.215+15877C>G (NM_001282545.2); c.364+11113C>G (NM_001282549.2); short protein forms D230E, D211E.
Identifiers: ClinVar variation 127744 (VCV000127744.25), dbSNP rs587780034, ClinGen allele CA287554.

ClinVar aggregate classification (germline): Conflicting classifications of pathogenicity. Review status: criteria provided, conflicting classifications (1 of 4 stars). 7 submissions from 7 submitters: Uncertain significance (6); Likely benign (1). Last evaluated 2025-11-09.

Conditions:
BARD1-related disorder. Also called: BARD1-related condition.
Hereditary cancer-predisposing syndrome. Also called: Neoplastic Syndromes, Hereditary; Tumor predisposition; Hereditary Cancer Syndrome; Hereditary neoplastic syndrome. Identifiers: Orphanet 140162, MedGen C0027672, MeSH D009386, MONDO:0015356.
Familial cancer of breast. Also called: hereditary breast carcinoma; Hereditary breast cancer; BREAST CANCER, FAMILIAL. Identifiers: Orphanet 227535, MedGen C0346153, MONDO:0016419, OMIM 114480. Disease mechanism: loss of function.

Allele frequency attached by ClinVar (database versions not stated): TOPMed below 0.00001; gnomAD exomes 0.00001; ExAC 0.00003; gnomAD 0.00005 and 0.00006.
gnomAD v4.1: 17 of 1,587,658 alleles (0.0011%); highest among the groups gnomAD compares: Non-Finnish European, 0.0012%; 1 homozygote.

Submissions (7):

Labcorp Genetics (formerly Invitae), Labcorp
Classification: Uncertain significance for Familial cancer of breast. Last evaluated: 2025-11-09. Review status: criteria provided, single submitter. Criteria: Invitae Variant Classification Sherloc (09022015). Collection method: clinical testing. Allele origin: germline.
Comment: This sequence change replaces aspartic acid, which is acidic and polar, with glutamic acid, which is acidic and polar, at codon 230 of the BARD1 protein (p.Asp230Glu). This variant is present in population databases (rs587780034, gnomAD 0.008%). This missense change has been observed in individual(s) with clinical features of BARD1-related conditions (PMID: 31159747). ClinVar contains an entry for this variant (Variation ID: 127744). An algorithm developed to predict the effect of missense changes on protein structure and function outputs the following: PolyPhen-2: "Benign". The glutamic acid amino acid residue is found in multiple mammalian species, which suggests that this missense change does not adversely affect protein function. Experimental studies have shown that this missense change does not substantially affect BARD1 function (PMID: 30925164). In summary, the available evidence is currently insufficient to determine the role of this variant in disease. Therefore, it has been classified as a Variant of Uncertain Significance.

PreventionGenetics, part of Exact Sciences
Classification: Uncertain significance for BARD1-related condition. Last evaluated: 2025-09-09. Review status: criteria provided, single submitter. Criteria: ACMG Guidelines, 2015. Collection method: clinical testing. Allele origin: germline.
Comment: The BARD1 c.690C>G variant is predicted to result in the amino acid substitution p.Asp230Glu. This variant was reported in an individual with ovarian cancer (Supplementary Table 4, Ramus et al. 2015. PubMed ID: 26315354) and in an individual undergoing testing for a hereditary cancer predisposition syndrome (Table S5, Tsaousis et al. 2019. PubMed ID: 31159747). This variant was also reported in an early onset breast cancer case-control study (Supplementary Table 1, Young et al. 2016. PubMed ID: 26787654), and in 2 individuals with breast cancer and two controls in another study (Supplemental data, Breast Cancer Association Consortium et al. 2021. PubMed ID: 33471991). A functional study demonstrated this variant has no damaging effect on homology-directed repair or damage sensitivity (Table S1, Adamovich et al. 2019. PubMed ID: 30925164). This variant is reported in 0.0083% of alleles in individuals of European (Finnish) descent in gnomAD, including one homozygous observation. It is interpreted as uncertain in ClinVar (Variation ID: 127744). At this time, the clinical significance of this variant is uncertain due to the absence of conclusive functional and genetic evidence.

Ambry Genetics
Classification: Likely benign for Hereditary cancer-predisposing syndrome. Last evaluated: 2025-06-18. Review status: criteria provided, single submitter. Criteria: Ambry Variant Classification Scheme 2023. Collection method: clinical testing. Allele origin: germline.

Women's Health and Genetics/Laboratory Corporation of America, LabCorp
Classification: Uncertain significance. Last evaluated: 2024-10-28. Review status: criteria provided, single submitter. Criteria: LabCorp Variant Classification Summary - May 2015. Collection method: clinical testing. Allele origin: germline.
Comment: Variant summary: BARD1 c.690C>G (p.Asp230Glu) results in a conservative amino acid change in the encoded protein sequence. Five of five in-silico tools predict a benign effect of the variant on protein function. The variant allele was found at a frequency of 1.3e-05 in 225818 control chromosomes (gnomAD). The available data on variant occurrences in the general population are insufficient to allow any conclusion about variant significance. c.690C>G has been reported in the literature in individuals affected with Breast or Ovarian Cancer, as well as unaffected controls (Ramus_2015, Tsaousis_2019, Dorling_2021). These reports do not provide unequivocal conclusions about association of the variant with Breast Cancer. At least one publication reports experimental evidence evaluating an impact on protein function. These results showed no damaging effect of this variant (Adamovich_2019). The following publications have been ascertained in the context of this evaluation (PMID: 31159747, 33471991, 30925164, 26315354).ClinVar contains an entry for this variant (Variation ID: 127744). Based on the evidence outlined above, the variant was classified as uncertain significance.

Color Diagnostics, LLC DBA Color Health
Classification: Uncertain significance for Hereditary cancer-predisposing syndrome. Last evaluated: 2024-04-09. Review status: criteria provided, single submitter. Criteria: ACMG Guidelines, 2015. Collection method: clinical testing. Allele origin: germline.
Comment: This missense variant replaces aspartic acid with glutamic acid at codon 230 of the BARD1 protein. Computational prediction suggests that this variant may not impact protein structure and function. A functional study reported that the variant protein activity is comparable to wild-type in a homology-directed repair assay (PMID: 30925164). In an ovarian cancer case-control study, this variant was reported in an individual affected by serous ovarian cancer and absent in the control group (PMID: 26315354). This variant was also detected in a study of 1297 cases of early-onset breast cancer and 1121 controls (PMID: 26787654) and in a study of 1197 individuals from Greece, Romania and Turkey who were referred for genetic testing (PMID: 31159747). This variant has been identified in 11/257216 chromosomes in the general population by the Genome Aggregation Database (gnomAD). The available evidence is insufficient to determine the role of this variant in disease conclusively. Therefore, this variant is classified as a Variant of Uncertain Significance.

GeneKor MSA
Classification: Uncertain significance for Hereditary cancer-predisposing syndrome. Last evaluated: 2018-08-01. Review status: criteria provided, single submitter. Criteria: ACMG Guidelines, 2015. Collection method: clinical testing. Allele origin: germline. Affected: yes.

GeneDx
Classification: Uncertain significance. Last evaluated: 2014-02-27. Review status: criteria provided, single submitter. Criteria: GeneDx Variant Classification (06012015). Collection method: clinical testing. Allele origin: germline. Affected: yes.
Comment: This variant is denoted BARD1 c.690C>G at the cDNA level, p.Asp230Glu (D230E) at the protein level, and results in the change of an Aspartic Acid to a Glutamic Acid (GAC>GAG). This variant has not, to our knowledge, been published in the literature as pathogenic or benign. BARD1 Asp230Glu was not observed in approximately 6,500 individuals of European and African American ancestry in the NHLBI Exome Sequencing Project, indicating it is not a common benign variant in these populations. Since Aspartic Acid and Glutamic Acid share similar properties, this is considered a conservative amino acid substitution and is unlikely to affect protein integrity. BARD1 Asp230Glu occurs at a position that is moderately conserved across species and is not located in a known functional domain. In silico analyses predict that this variant is unlikely to alter protein structure or function. Based on currently available information, it is unclear whether BARD1 Asp230Glu is pathogenic or benign. We consider it to be a variant of uncertain significance. Furthermore, BARD1 has been only recently described in association with cancer predisposition and the risks are not well understood.

Literature cited by the submitters: PubMed 31159747 (cited by 3 submitters); PubMed 30925164 (cited by 3 submitters); PubMed 26315354 (cited by Women's Health and Genetics/Laboratory Corporation of America, LabCorp and Color Diagnostics, LLC DBA Color Health); PubMed 33471991 (cited by Women's Health and Genetics/Laboratory Corporation of America, LabCorp); PubMed 26787654 (cited by Color Diagnostics, LLC DBA Color Health).